The following is an entry in ClinVar:

NM_005869.4(CWC27):c.235T>A (p.Tyr79Asn)

Gene: CWC27 (CWC27 spliceosome associated cyclophilin; plus strand). Cytogenetic location: 5q12.3.
Variant type: single nucleotide variant.
Coding change: c.235T>A on transcript NM_005869.4 (MANE Select); coding-DNA position 235, T replaced by A.
Protein change: p.Tyr79Asn; replaces tyrosine 79 with asparagine.
Molecular consequence: missense variant.
Genome position (GRCh38, 1-based): chr5:64,782,016, T>A. VCF-style: chr5-64782016-T-A. GRCh37 (hg19) VCF-style: chr5-64077843-T-A.
Other names: c.235T>A, p.Tyr79Asn (NM_001297644.1, NM_001297645.2, NM_001318000.2 and 1 more transcripts); short protein forms Y79N.
Identifiers: ClinVar variation 1496721 (VCV001496721.6), dbSNP rs776705210, ClinGen allele CA3281881.

ClinVar aggregate classification (germline): Uncertain significance (1 of 4 stars; one submission).

Allele frequency attached by ClinVar (database versions not stated): gnomAD exomes below 0.00001; ExAC 0.00001; gnomAD 0.00001; TOPMed 0.00002.

Submission:

Labcorp Genetics (formerly Invitae), Labcorp
Classification: Uncertain significance. Last evaluated: 2022-08-23. Review status: criteria provided, single submitter. Criteria: Invitae Variant Classification Sherloc (09022015). Collection method: clinical testing. Allele origin: germline.
Comment: In summary, the available evidence is currently insufficient to determine the role of this variant in disease. Therefore, it has been classified as a Variant of Uncertain Significance. Algorithms developed to predict the effect of missense changes on protein structure and function (SIFT, PolyPhen-2, Align-GVGD) all suggest that this variant is likely to be disruptive. ClinVar contains an entry for this variant (Variation ID: 1496721). This variant has not been reported in the literature in individuals affected with CWC27-related conditions. The frequency data for this variant in the population databases is considered unreliable, as metrics indicate poor data quality at this position in the gnomAD database. This sequence change replaces tyrosine, which is neutral and polar, with asparagine, which is neutral and polar, at codon 79 of the CWC27 protein (p.Tyr79Asn).